The following is an entry in ClinVar:

ClinVar aggregate classification (germline): Uncertain significance (1 of 4 stars; one submission).

Conditions:
Hereditary cancer-predisposing syndrome. Also called: Tumor predisposition; Hereditary Cancer Syndrome; Hereditary neoplastic syndrome; Neoplastic Syndromes, Hereditary. Identifiers: Orphanet 140162, MedGen C0027672, MeSH D009386, MONDO:0015356.

Submission:

Ambry Genetics
Classification: Uncertain significance for Hereditary cancer-predisposing syndrome. Last evaluated: 2025-10-11. Review status: criteria provided, single submitter. Criteria: Ambry Variant Classification Scheme 2023. Collection method: clinical testing. Allele origin: germline.
Comment: The p.E322K variant (also known as c.964G>A), located in coding exon 9 of the SMARCE1 gene, results from a G to A substitution at nucleotide position 964. The glutamic acid at codon 322 is replaced by lysine, an amino acid with similar properties. This amino acid position is conserved. In addition, this alteration is predicted to be tolerated by in silico analysis. Based on the available evidence, the clinical significance of this variant remains unclear.

NM_003079.5(SMARCE1):c.964G>A (p.Glu322Lys)

Gene: SMARCE1 (SWI/SNF related BAF chromatin remodeling complex subunit E1; minus strand). Cytogenetic location: 17q21.2.
Variant type: single nucleotide variant.
Coding change: c.964G>A on transcript NM_003079.5 (MANE Select); coding-DNA position 964, G replaced by A.
Protein change: p.Glu322Lys; replaces glutamic acid 322 with lysine.
Molecular consequence: missense variant.
Genome position (GRCh38, 1-based): chr17:40,630,777, C>T on the plus strand (G>A on the coding strand, the complement: SMARCE1 is on the minus strand). VCF-style: chr17-40630777-C-T. GRCh37 (hg19) VCF-style: chr17-38787029-C-T.
Other names: short protein forms E322K.
Identifiers: ClinVar variation 4550493 (VCV004550493.1).